The following is an entry in ClinVar:

NM_024105.4(ALG12):c.1156C>G (p.Gln386Glu)

Gene: ALG12 (ALG12 alpha-1,6-mannosyltransferase; minus strand). Cytogenetic location: 22q13.33.
Variant type: single nucleotide variant.
Coding change: c.1156C>G on transcript NM_024105.4 (MANE Select); coding-DNA position 1156, C replaced by G.
Protein change: p.Gln386Glu; replaces glutamine 386 with glutamic acid.
Molecular consequence: missense variant.
Genome position (GRCh38, 1-based): chr22:49,904,343, G>C on the plus strand (C>G on the coding strand, the complement: ALG12 is on the minus strand). VCF-style: chr22-49904343-G-C. GRCh37 (hg19) VCF-style: chr22-50297991-G-C.
Other names: short protein forms Q386E.
Identifiers: ClinVar variation 2083947 (VCV002083947.2), dbSNP rs751587723, ClinGen allele CA325424714.
Genomic context (GRCh38, chr22:49,904,343, plus strand): 5'-CCAGCCCTGCAGTCGGAGCCACAGCAGTCCCCAGGCAGTGCCCCCAGCACCCACCTGTCT[G>C]GGGGGGCACCAGCTGGTGCAGCCTCTGCATTGCGACGCCACCTGGGTAGTTGAAATGGGA-3'
Protein context (NP_077010.1, residues 376-396): MQRLHQLVPP[Gln386Glu]TDVLLHIDVA

ClinVar aggregate classification (germline): Uncertain significance. Review status: criteria provided, multiple submitters, no conflicts (2 of 4 stars). 2 submissions from 2 submitters: Uncertain significance (2). Last evaluated 2024-05-16.

Conditions:
Inborn genetic diseases. Identifiers: MedGen C0950123, MeSH D030342.
ALG12-congenital disorder of glycosylation (CDG1G). Also called: Congenital disorder of glycosylation, type Ig; CDG Ig; ALG12-CDG. Identifiers: Orphanet 79324, MedGen C2931001, MONDO:0011783, OMIM 607143.

Submissions (2):

Ambry Genetics
Classification: Uncertain significance for Inborn genetic diseases. Last evaluated: 2024-05-16. Review status: criteria provided, single submitter. Criteria: Ambry Variant Classification Scheme 2023. Collection method: clinical testing. Allele origin: germline.

Labcorp Genetics (formerly Invitae), Labcorp
Classification: Uncertain significance for ALG12-congenital disorder of glycosylation. Last evaluated: 2022-08-23. Review status: criteria provided, single submitter. Criteria: Invitae Variant Classification Sherloc (09022015). Collection method: clinical testing. Allele origin: germline.
Comment: This sequence change replaces glutamine, which is neutral and polar, with glutamic acid, which is acidic and polar, at codon 386 of the ALG12 protein (p.Gln386Glu). This variant is present in population databases (no rsID available, gnomAD 0.003%). This variant has not been reported in the literature in individuals affected with ALG12-related conditions. Algorithms developed to predict the effect of missense changes on protein structure and function (SIFT, PolyPhen-2, Align-GVGD) all suggest that this variant is likely to be tolerated. In summary, the available evidence is currently insufficient to determine the role of this variant in disease. Therefore, it has been classified as a Variant of Uncertain Significance.